The following is an entry in ClinVar:

NM_006514.4(SCN10A):c.721C>T (p.His241Tyr)

Gene: SCN10A (sodium voltage-gated channel alpha subunit 10; minus strand). Cytogenetic location: 3p22.2.
Variant type: single nucleotide variant.
Coding change: c.721C>T on transcript NM_006514.4 (MANE Select); coding-DNA position 721, C replaced by T.
Protein change: p.His241Tyr; replaces histidine 241 with tyrosine.
Molecular consequence: missense variant.
Genome position (GRCh38, 1-based): chr3:38,761,354, G>A on the plus strand (C>T on the coding strand, the complement: SCN10A is on the minus strand). VCF-style: chr3-38761354-G-A. GRCh37 (hg19) VCF-style: chr3-38802845-G-A.
Other names: c.721C>T, p.His241Tyr (NM_001293306.2, NM_001293307.2); short protein forms H241Y.
Identifiers: ClinVar variation 3316521 (VCV003316521.1).

ClinVar aggregate classification (germline): Uncertain significance (1 of 4 stars; one submission).

Conditions:
Cardiovascular phenotype. Identifiers: MedGen CN230736.

Submission:

Ambry Genetics
Classification: Uncertain significance for Cardiovascular phenotype. Last evaluated: 2024-05-05. Review status: criteria provided, single submitter. Criteria: Ambry Variant Classification Scheme 2023. Collection method: clinical testing. Allele origin: germline.
Comment: The p.H241Y variant (also known as c.721C>T), located in coding exon 6 of the SCN10A gene, results from a C to T substitution at nucleotide position 721. The histidine at codon 241 is replaced by tyrosine, an amino acid with similar properties. This amino acid position is conserved. In addition, the in silico prediction for this alteration is inconclusive. Based on the available evidence, the clinical significance of this variant remains unclear.